The following is an entry in ClinVar:

NM_000059.4(BRCA2):c.9029A>G (p.His3010Arg)

Gene: BRCA2 (BRCA2 DNA repair associated; plus strand). Cytogenetic location: 13q13.1.
Variant type: single nucleotide variant.
Coding change: c.9029A>G on transcript NM_000059.4 (MANE Select); coding-DNA position 9029, A replaced by G.
Protein change: p.His3010Arg; replaces histidine 3010 with arginine.
Molecular consequence: missense variant.
Genome position (GRCh38, 1-based): chr13:32,379,825, A>G. VCF-style: chr13-32379825-A-G. GRCh37 (hg19) VCF-style: chr13-32953962-A-G.
Other names: short protein forms H3010R.
Identifiers: ClinVar variation 629303 (VCV000629303.15), dbSNP rs1566253193, ClinGen allele CA387757501.

ClinVar aggregate classification (germline): Uncertain significance. Review status: criteria provided, multiple submitters, no conflicts (2 of 4 stars). 5 submissions from 5 submitters: Uncertain significance (5). Last evaluated 2025-03-17.

Conditions:
Familial cancer of breast. Also called: BREAST CANCER, FAMILIAL; Hereditary breast cancer; hereditary breast carcinoma. Identifiers: Orphanet 227535, MedGen C0346153, MONDO:0016419, OMIM 114480. Disease mechanism: loss of function.
Hereditary cancer-predisposing syndrome. Also called: Neoplastic Syndromes, Hereditary; Tumor predisposition; Hereditary neoplastic syndrome; Hereditary Cancer Syndrome. Identifiers: Orphanet 140162, MedGen C0027672, MeSH D009386, MONDO:0015356.
Hereditary breast ovarian cancer syndrome. Also called: Hereditary breast and ovarian cancer syndrome; Hereditary breast and ovarian cancer; Hereditary breast and ovarian cancer syndrome (HBOC); Breast and ovarian cancer; Hereditary breast and/or ovarian cancer syndrome; BRCA1- and BRCA2-Associated Hereditary Breast and Ovarian Cancer. Identifiers: Orphanet 145, MedGen C0677776, MeSH D061325, MONDO:0003582. Disease mechanism: loss of function.

Allele frequency attached by ClinVar (database versions not stated): TOPMed below 0.00001.

Submissions (5):

Ambry Genetics
Classification: Uncertain significance for Hereditary cancer-predisposing syndrome. Last evaluated: 2025-03-17. Review status: criteria provided, single submitter. Criteria: Ambry Variant Classification Scheme 2023. Collection method: clinical testing. Allele origin: germline.
Comment: The p.H3010R variant (also known as c.9029A>G), located in coding exon 22 of the BRCA2 gene, results from an A to G substitution at nucleotide position 9029. The histidine at codon 3010 is replaced by arginine, an amino acid with highly similar properties. This amino acid position is not well conserved in available vertebrate species. In addition, the in silico prediction for this alteration is inconclusive. Based on the available evidence, the clinical significance of this variant remains unclear.

Baylor Genetics
Classification: Uncertain significance for Familial cancer of breast. Last evaluated: 2024-01-31. Review status: criteria provided, single submitter. Criteria: ACMG Guidelines, 2015. Collection method: clinical testing. Allele origin: unknown.

Labcorp Genetics (formerly Invitae), Labcorp
Classification: Uncertain significance for Hereditary breast ovarian cancer syndrome. Last evaluated: 2023-11-20. Review status: criteria provided, single submitter. Criteria: Invitae Variant Classification Sherloc (09022015). Collection method: clinical testing. Allele origin: germline.
Comment: This sequence change replaces histidine, which is basic and polar, with arginine, which is basic and polar, at codon 3010 of the BRCA2 protein (p.His3010Arg). This variant is not present in population databases (gnomAD no frequency). This variant has not been reported in the literature in individuals affected with BRCA2-related conditions. ClinVar contains an entry for this variant (Variation ID: 629303). Advanced modeling of protein sequence and biophysical properties (such as structural, functional, and spatial information, amino acid conservation, physicochemical variation, residue mobility, and thermodynamic stability) performed at Invitae indicates that this missense variant is not expected to disrupt BRCA2 protein function with a negative predictive value of 95%. In summary, the available evidence is currently insufficient to determine the role of this variant in disease. Therefore, it has been classified as a Variant of Uncertain Significance.

Color Diagnostics, LLC DBA Color Health
Classification: Uncertain significance for Hereditary cancer-predisposing syndrome. Last evaluated: 2019-05-04. Review status: criteria provided, single submitter. Criteria: ACMG Guidelines, 2015. Collection method: clinical testing. Allele origin: germline.

Quest Diagnostics Nichols Institute San Juan Capistrano
Classification: Uncertain significance. Last evaluated: 2018-12-13. Review status: criteria provided, single submitter. Criteria: Quest Diagnostics criteria. Collection method: clinical testing. Allele origin: germline.